The following is an entry in ClinVar:

ClinVar aggregate classification (germline): Uncertain significance. Review status: criteria provided, multiple submitters, no conflicts (2 of 4 stars). 2 submissions from 2 submitters: Uncertain significance (2). Last evaluated 2024-02-15.

Conditions:
Inborn genetic diseases. Identifiers: MedGen C0950123, MeSH D030342.

Allele frequency attached by ClinVar (database versions not stated): gnomAD exomes below 0.00001.
gnomAD v4.1: 3 of 1,613,120 alleles (0.00019%); highest among the groups gnomAD compares: East Asian, 0.0067%; no homozygotes.

Submissions (2):

Labcorp Genetics (formerly Invitae), Labcorp
Classification: Uncertain significance. Last evaluated: 2024-02-15. Review status: criteria provided, single submitter. Criteria: Invitae Variant Classification Sherloc (09022015). Collection method: clinical testing. Allele origin: germline.
Comment: This sequence change replaces isoleucine, which is neutral and non-polar, with valine, which is neutral and non-polar, at codon 1478 of the ATR protein (p.Ile1478Val). This variant is present in population databases (no rsID available, gnomAD 0.006%). This variant has not been reported in the literature in individuals affected with ATR-related conditions. ClinVar contains an entry for this variant (Variation ID: 1740565). An algorithm developed to predict the effect of missense changes on protein structure and function (PolyPhen-2) suggests that this variant is likely to be tolerated. In summary, the available evidence is currently insufficient to determine the role of this variant in disease. Therefore, it has been classified as a Variant of Uncertain Significance.

Ambry Genetics
Classification: Uncertain significance for Inborn genetic diseases. Last evaluated: 2021-07-04. Review status: criteria provided, single submitter. Criteria: Ambry Variant Classification Scheme 2023. Collection method: clinical testing. Allele origin: germline.
Comment: The p.I1478V variant (also known as c.4432A>G), located in coding exon 25 of the ATR gene, results from an A to G substitution at nucleotide position 4432. The isoleucine at codon 1478 is replaced by valine, an amino acid with highly similar properties. This amino acid position is conserved. In addition, this alteration is predicted to be tolerated by in silico analysis. Since supporting evidence is limited at this time, the clinical significance of this alteration remains unclear.

NM_001184.4(ATR):c.4432A>G (p.Ile1478Val)

Gene: ATR (ATR checkpoint kinase; minus strand). Cytogenetic location: 3q23.
Variant type: single nucleotide variant.
Coding change: c.4432A>G on transcript NM_001184.4 (MANE Select); coding-DNA position 4432, A replaced by G.
Protein change: p.Ile1478Val; replaces isoleucine 1478 with valine.
Molecular consequence: missense variant.
Genome position (GRCh38, 1-based): chr3:142,515,466, T>C on the plus strand (A>G on the coding strand, the complement: ATR is on the minus strand). VCF-style: chr3-142515466-T-C. GRCh37 (hg19) VCF-style: chr3-142234308-T-C.
Other names: c.4240A>G, p.Ile1414Val (NM_001354579.2); short protein forms I1414V, I1478V.
Identifiers: ClinVar variation 1740565 (VCV001740565.4), dbSNP rs1175020652, ClinGen allele CA354798363.